The following is an entry in ClinVar:

ClinVar aggregate classification (germline): Likely benign. Review status: criteria provided, multiple submitters, no conflicts (2 of 4 stars). 6 submissions from 6 submitters: Likely benign (5). 1 of the submissions does not count toward it. Last evaluated 2026-01-21.

Conditions:
WWOX-related disorder. Also called: WWOX-related condition.
Autosomal recessive spinocerebellar ataxia 12. Also called: SPINOCEREBELLAR ATAXIA WITH MENTAL RETARDATION AND EPILEPSY. Identifiers: Orphanet 284282, MedGen C3280452, MONDO:0013687, OMIM 614322.
Developmental and epileptic encephalopathy, 1 (DEE1). Also called: X-linked infantile spasms; West's syndrome; Tonic spasms with clustering, arrest of psychomotor development and hypsarrhythmia on EEG; X-Linked Infantile Spasm Syndrome; OHTAHARA SYNDROME, X-LINKED; INFANTILE SPASM SYNDROME, X-LINKED 1. Identifiers: MedGen C3463992, MONDO:0010632, OMIM 308350. Disease mechanism: loss of function.

Allele frequency attached by ClinVar (database versions not stated): ESP Exome Variant Server 0.00049; ExAC 0.00051; 1000 Genomes Project 0.00060; gnomAD 0.00066 and 0.00069; TOPMed 0.00080; 1000 Genomes Project 30x 0.00109.
gnomAD v4.1: 1,189 of 1,612,404 alleles (0.074%); highest among the groups gnomAD compares: Admixed American, 0.13%; no homozygotes.

Submissions (6):

Labcorp Genetics (formerly Invitae), Labcorp
Classification: Likely benign for Developmental and epileptic encephalopathy, 1; Autosomal recessive spinocerebellar ataxia 12. Last evaluated: 2026-01-21. Review status: criteria provided, single submitter. Criteria: Invitae Variant Classification Sherloc (09022015). Collection method: clinical testing. Allele origin: germline.

Blueprint Genetics
Classification: Likely benign. Last evaluated: 2024-11-27. Review status: criteria provided, single submitter. Criteria: ACMG Guidelines, 2015. Collection method: clinical testing. Allele origin: germline.

Athena Diagnostics
Classification: Likely benign. Last evaluated: 2018-05-23. Review status: criteria provided, single submitter. Criteria: Athena Diagnostics Criteria. Collection method: clinical testing. Allele origin: germline.

GeneDx
Classification: Likely benign. Last evaluated: 2017-07-31. Review status: criteria provided, single submitter. Criteria: GeneDx Variant Classification (06012015). Collection method: clinical testing. Allele origin: germline. Affected: yes.
Comment: This variant is considered likely benign or benign based on one or more of the following criteria: it is a conservative change, it occurs at a poorly conserved position in the protein, it is predicted to be benign by multiple in silico algorithms, and/or has population frequency not consistent with disease.

Genetic Services Laboratory, University of Chicago
Classification: Likely benign. Last evaluated: 2016-08-19. Review status: criteria provided, single submitter. Criteria: ACMG Guidelines, 2015. Collection method: clinical testing. Allele origin: germline. Affected: no.

PreventionGenetics, part of Exact Sciences
Classification: Likely benign for WWOX-related condition. Last evaluated: 2019-06-07. Review status: no assertion criteria provided. Collection method: clinical testing. Allele origin: germline. Not counted in ClinVar's aggregate classification.
Comment: This variant is classified as likely benign based on ACMG/AMP sequence variant interpretation guidelines (Richards et al. 2015 PMID: 25741868, with internal and published modifications).

NM_016373.4(WWOX):c.605+9T>A

Gene: WWOX (WW domain containing oxidoreductase; plus strand). Cytogenetic location: 16q23.1.
Variant type: single nucleotide variant.
Coding change: c.605+9T>A on transcript NM_016373.4 (MANE Select); 9 bases into the intron after coding-DNA position 605, T replaced by A.
Molecular consequence: intron variant.
Genome position (GRCh38, 1-based): chr16:78,386,957, T>A. VCF-style: chr16-78386957-T-A. GRCh37 (hg19) VCF-style: chr16-78420854-T-A.
Other names: c.266+9T>A (NM_001291997.2).
Identifiers: ClinVar variation 241103 (VCV000241103.20), dbSNP rs368853054, ClinGen allele CA8183352.